The following is an entry in ClinVar:

ClinVar aggregate classification (germline): Uncertain significance. Review status: criteria provided, multiple submitters, no conflicts (2 of 4 stars). 3 submissions from 3 submitters: Uncertain significance (3). Last evaluated 2023-09-20.

Conditions:
Inborn genetic diseases. Identifiers: MedGen C0950123, MeSH D030342.

Allele frequency attached by ClinVar (database versions not stated): ExAC 0.00003; gnomAD exomes 0.00007 and 0.00019; TOPMed 0.00010; gnomAD 0.00015 and 0.00016.

Submissions (3):

Blueprint Genetics
Classification: Uncertain significance. Last evaluated: 2023-09-20. Review status: criteria provided, single submitter. Criteria: ACMG Guidelines, 2015. Collection method: clinical testing. Allele origin: germline.

Ambry Genetics
Classification: Uncertain significance for Inborn genetic diseases. Last evaluated: 2023-02-16. Review status: criteria provided, single submitter. Criteria: Ambry Variant Classification Scheme 2023. Collection method: clinical testing. Allele origin: germline.

Labcorp Genetics (formerly Invitae), Labcorp
Classification: Uncertain significance. Last evaluated: 2022-04-10. Review status: criteria provided, single submitter. Criteria: Invitae Variant Classification Sherloc (09022015). Collection method: clinical testing. Allele origin: germline.
Comment: This sequence change replaces leucine, which is neutral and non-polar, with valine, which is neutral and non-polar, at codon 590 of the GPAA1 protein (p.Leu590Val). This variant is present in population databases (rs200225572, gnomAD 0.01%). This variant has not been reported in the literature in individuals affected with GPAA1-related conditions. Algorithms developed to predict the effect of missense changes on protein structure and function (SIFT, PolyPhen-2, Align-GVGD) all suggest that this variant is likely to be tolerated. In summary, the available evidence is currently insufficient to determine the role of this variant in disease. Therefore, it has been classified as a Variant of Uncertain Significance.

NM_003801.4(GPAA1):c.1768C>G (p.Leu590Val)

Gene: GPAA1 (glycosylphosphatidylinositol anchor attachment 1; plus strand). Cytogenetic location: 8q24.3.
Variant type: single nucleotide variant.
Coding change: c.1768C>G on transcript NM_003801.4 (MANE Select); coding-DNA position 1768, C replaced by G.
Protein change: p.Leu590Val; replaces leucine 590 with valine.
Molecular consequence: missense variant.
Genome position (GRCh38, 1-based): chr8:144,086,027, C>G. VCF-style: chr8-144086027-C-G. GRCh37 (hg19) VCF-style: chr8-145140930-C-G.
Other names: c.1768C>G (NM_003801.3); short protein forms L590V.
Identifiers: ClinVar variation 1353601 (VCV001353601.5), dbSNP rs200225572, ClinGen allele CA4933252.